The following is an entry in ClinVar:

NM_001379291.1(BRD4):c.3282+4del

Gene: BRD4 (bromodomain containing 4; minus strand). Cytogenetic location: 19p13.12.
Variant type: Deletion.
Coding change: c.3282+4del on transcript NM_001379291.1 (MANE Select); 4 bases into the intron after coding-DNA position 3282, one base deleted (A; older notation c.3282+4delA).
Molecular consequence: intron variant.
Genome position (GRCh38, 1-based): chr19:15,239,906, T deleted on the plus strand (A on the coding strand, the reverse complement: BRD4 is on the minus strand); the first of 2 consecutive T bases (chr19:15,239,906-15,239,907); deleting either gives the same sequence. VCF-style (leftmost placement, unchanged base first): chr19-15239905-GT-G. GRCh37 (hg19) VCF-style: chr19-15350716-GT-G.
Other names: c.3282+4del (NM_058243.3).
Identifiers: ClinVar variation 2875468 (VCV002875468.3), dbSNP rs776518007, ClinGen allele CA9264744.

ClinVar aggregate classification (germline): Uncertain significance (1 of 4 stars; one submission).

Submission:

Labcorp Genetics (formerly Invitae), Labcorp
Classification: Uncertain significance. Last evaluated: 2026-01-05. Review status: criteria provided, single submitter. Criteria: Invitae Variant Classification Sherloc (09022015). Collection method: clinical testing. Allele origin: germline.
Comment: This sequence change falls in intron 15 of the BRD4 gene. It does not directly change the encoded amino acid sequence of the BRD4 protein. It affects a nucleotide within the consensus splice site. This variant is present in population databases (rs776518007, gnomAD 0.05%), and has an allele count higher than expected for a pathogenic variant. This variant has not been reported in the literature in individuals affected with BRD4-related conditions. ClinVar contains an entry for this variant (Variation ID: 2875468). Variants that disrupt the consensus splice site are a relatively common cause of aberrant splicing (PMID: 17576681, 9536098). Algorithms developed to predict the effect of sequence changes on RNA splicing suggest that this variant is not likely to affect RNA splicing. In summary, the available evidence is currently insufficient to determine the role of this variant in disease. Therefore, it has been classified as a Variant of Uncertain Significance.

Literature cited by the submitters: PubMed 17576681; PubMed 9536098.